The following is an entry in ClinVar:

NM_001283009.2(RTEL1):c.2020G>A (p.Gly674Ser)

Genes: RTEL1 (regulator of telomere elongation helicase 1; plus strand), RTEL1-TNFRSF6B (RTEL1-TNFRSF6B readthrough (NMD candidate); plus strand). Cytogenetic location: 20q13.33.
Variant type: single nucleotide variant.
Coding change: c.2020G>A on transcript NM_001283009.2 (MANE Select); coding-DNA position 2020, G replaced by A.
Protein change: p.Gly674Ser; replaces glycine 674 with serine.
Molecular consequence: missense variant. On other transcripts: non-coding transcript variant (1).
Genome position (GRCh38, 1-based): chr20:63,689,643, G>A. VCF-style: chr20-63689643-G-A. GRCh37 (hg19) VCF-style: chr20-62320996-G-A.
Other names: c.1351G>A, p.Gly451Ser (NM_001283010.1); c.2020G>A, p.Gly674Ser (NM_016434.4); c.2092G>A, p.Gly698Ser (NM_032957.5); short protein forms G451S, G674S, G698S.
Identifiers: ClinVar variation 3948490 (VCV003948490.1).

ClinVar aggregate classification (germline): Uncertain significance (1 of 4 stars; one submission).

Conditions:
Inborn genetic diseases. Identifiers: MedGen C0950123, MeSH D030342.

Submission:

Ambry Genetics
Classification: Uncertain significance for Inborn genetic diseases. Last evaluated: 2025-06-13. Review status: criteria provided, single submitter. Criteria: Ambry Variant Classification Scheme 2023. Collection method: clinical testing. Allele origin: germline.
Comment: The p.G674S variant (also known as c.2020G>A), located in coding exon 22 of the RTEL1 gene, results from a G to A substitution at nucleotide position 2020. The glycine at codon 674 is replaced by serine, an amino acid with similar properties. This amino acid position is conserved. In addition, this alteration is predicted to be tolerated by in silico analysis. Based on the available evidence, the clinical significance of this variant remains unclear.